The following is an entry in ClinVar:

NM_020693.4(DSCAML1):c.1152C>T (p.Tyr384=)

Gene: DSCAML1 (DS cell adhesion molecule like 1; minus strand). Cytogenetic location: 11q23.3.
Variant type: single nucleotide variant.
Coding change: c.1152C>T on transcript NM_020693.4 (MANE Select); coding-DNA position 1152, C replaced by T.
Protein change: p.Tyr384=; no amino-acid change (tyrosine 384 retained).
Molecular consequence: synonymous variant.
Genome position (GRCh38, 1-based): chr11:117,521,191, G>A on the plus strand (C>T on the coding strand, the complement: DSCAML1 is on the minus strand). VCF-style: chr11-117521191-G-A. GRCh37 (hg19) VCF-style: chr11-117391906-G-A.
Other names: c.1152C>T, p.Tyr384= (NM_001367904.1); c.744C>T, p.Tyr248= (NM_001367905.1).
Identifiers: ClinVar variation 3044404 (VCV003044404.2), dbSNP rs2543271886, ClinGen allele CA477052740.

ClinVar aggregate classification (germline): Likely benign (0 of 4 stars; one submission).

Conditions:
DSCAML1-related disorder. Also called: DSCAML1-related condition.

Submission:

PreventionGenetics, part of Exact Sciences
Classification: Likely benign for DSCAML1-related condition. Last evaluated: 2019-06-05. Review status: no assertion criteria provided. Collection method: clinical testing. Allele origin: germline.
Comment: This variant is classified as likely benign based on ACMG/AMP sequence variant interpretation guidelines (Richards et al. 2015 PMID: 25741868, with internal and published modifications).